The following is an entry in ClinVar:

NM_000540.3(RYR1):c.13331_13351dup (p.Gly4444_Gly4450dup)

Genes: RYR1 (ryanodine receptor 1; plus strand), LOC130064357 (ATAC-STARR-seq lymphoblastoid silent region 10577; plus strand). Cytogenetic location: 19q13.2.
Variant type: Duplication.
Coding change: c.13331_13351dup on transcript NM_000540.3 (MANE Select); coding-DNA positions 13331 to 13351, 21 bases duplicated (GCCCCTTCCGGCCCGAAGGGG).
Protein change: p.Gly4444_Gly4450dup.
Molecular consequence: inframe insertion.
Genome position (GRCh38, 1-based): chr19:38,565,665-38,565,685, GCCCCTTCCGGCCCGAAGGGG duplicated; duplicating any 21 consecutive bases within chr19:38,565,661-38,565,685 gives the same sequence; the c. name uses the placement nearest the transcript's 3' end. VCF-style (leftmost placement, unchanged base first): chr19-38565660-T-TGGGGGCCCCTTCCGGCCCGAA. GRCh37 (hg19) VCF-style: chr19-39056300-T-TGGGGGCCCCTTCCGGCCCGAA.
Other names: c.13316_13336dup, p.Gly4439_Gly4445dup (NM_001042723.2); c.13331_13351dup21 (NM_000540.3).
Identifiers: ClinVar variation 478183 (VCV000478183.16), dbSNP rs1358102336, ClinGen allele CA507355949.

ClinVar aggregate classification (germline): Uncertain significance. Review status: criteria provided, multiple submitters, no conflicts (2 of 4 stars). 7 submissions from 7 submitters: Uncertain significance (7). Last evaluated 2026-08-01.

Conditions:
Congenital myopathy with fiber type disproportion. Also called: Congenital fiber-type disproportion myopathy; Congenital fiber-type disproportion. Identifiers: Orphanet 2020, MedGen C0546264, MONDO:0009711. Inheritance: all.
Malignant hyperthermia, susceptibility to, 1 (MHS1). Also called: Anesthesia related hyperthermia; Malignant hyperpyrexia; Fulminating hyperpyrexia; Pharmacogenic myopathy; Malignant hyperthermia suceptibility 1; RYR1-Related Malignant Hyperthermia Susceptibility. Identifiers: Orphanet 423, MedGen C2930980, MONDO:0007783, OMIM 145600.
Central core myopathy (CMYO1A). Also called: CONGENITAL MYOPATHY 1A, AUTOSOMAL DOMINANT, WITH SUSCEPTIBILITY TO MALIGNANT HYPERTHERMIA; Central core disease; Myopathy, central fibrillar. Identifiers: Orphanet 597, MedGen C5830701, MONDO:0007294, OMIM 117000.
Congenital multicore myopathy with external ophthalmoplegia (CMYO1B). Also called: MULTIMINICORE DISEASE WITH EXTERNAL OPHTHALMOPLEGIA; Minicore myopathy with external ophthalmoplegia; MULTICORE MYOPATHY; Congenital myopathy 1B, autosomal recessive; Minicore myopathy. Identifiers: Orphanet 598, Orphanet 98905, MedGen C1850674, MONDO:0009712, OMIM 255320, HP:0003789.
King Denborough syndrome (KDS). Identifiers: MedGen C1840365, MONDO:0020485, OMIM 619542.
RYR1-related disorder. Also called: RYR1-related disorders; RYR1-related condition. Identifiers: MedGen CN239331.

Submissions (7):

CeGaT Center for Human Genetics Tuebingen
Classification: Uncertain significance. Last evaluated: 2026-08-01. Review status: criteria provided, single submitter. Criteria: CeGaT Center For Human Genetics Tuebingen Variant Classification Criteria Version 2. Collection method: clinical testing. Allele origin: germline. Affected: yes. Observed: 1 variant allele.
Comment: RYR1: PM2, PM4

Women's Health and Genetics/Laboratory Corporation of America, LabCorp
Classification: Uncertain significance. Last evaluated: 2025-06-17. Review status: criteria provided, single submitter. Criteria: LabCorp Variant Classification Summary - May 2015. Collection method: clinical testing. Allele origin: germline.
Comment: Variant summary: RYR1 c.13331_13351dup21 (p.Gly4444_Gly4450dup) results in an in-frame duplication that is predicted to duplicate 7 amino acids into the encoded protein. The variant allele was found at a frequency of 0.00013 in 14820 control chromosomes. The available data on variant occurrences in the general population are insufficient to allow any conclusion about variant significance. c.13331_13351dup21 has been observed in individual(s) affected with Myopathy, RYR1-Associated. These report(s) do not provide unequivocal conclusions about association of the variant with RYR1 (Todd_2018, Kushnir_2020) without evidence for causality. To our knowledge, no experimental evidence demonstrating an impact on protein function has been reported. The following publications have been ascertained in the context of this evaluation (PMID: 32236737, 30155738). ClinVar contains an entry for this variant (Variation ID: 478183). Based on the evidence outlined above, the variant was classified as uncertain significance.

Labcorp Genetics (formerly Invitae), Labcorp
Classification: Uncertain significance for RYR1-related disorder. Last evaluated: 2024-12-12. Review status: criteria provided, single submitter. Criteria: Invitae Variant Classification Sherloc (09022015). Collection method: clinical testing. Allele origin: germline.
Comment: This variant, c.13331_13351dup, results in the insertion of 7 amino acid(s) of the RYR1 protein (p.Gly4444_Gly4450dup), but otherwise preserves the integrity of the reading frame. This variant is present in population databases (no rsID available, gnomAD 0.02%). This variant has been observed in individual(s) with RYR1-related conditions (PMID: 30155738). ClinVar contains an entry for this variant (Variation ID: 478183). Experimental studies and prediction algorithms are not available or were not evaluated, and the functional significance of this variant is currently unknown. In summary, the available evidence is currently insufficient to determine the role of this variant in disease. Therefore, it has been classified as a Variant of Uncertain Significance.

Revvity Omics, Revvity
Classification: Uncertain significance. Last evaluated: 2024-06-28. Review status: criteria provided, single submitter. Criteria: ACMG Guidelines, 2015. Collection method: clinical testing. Allele origin: germline.

Blueprint Genetics
Classification: Uncertain significance. Last evaluated: 2024-02-07. Review status: criteria provided, single submitter. Criteria: ACMG Guidelines, 2015. Collection method: clinical testing. Allele origin: germline.

GeneDx
Classification: Uncertain significance. Last evaluated: 2022-10-27. Review status: criteria provided, single submitter. Criteria: GeneDx Variant Classification Process June 2021. Collection method: clinical testing. Allele origin: germline. Affected: yes.
Comment: Not observed at significant frequency in large population cohorts (gnomAD); In-frame insertion of 7 amino acids in a non-repeat region; In silico analysis supports a deleterious effect on protein structure/function; Identified in a patient who also had a second RYR1 variant that may explain the features and reported as a variant of uncertain significance (Todd et al., 2018); This variant is associated with the following publications: (PMID: 30155738, 33646171)

Fulgent Genetics
Classification: Uncertain significance for Central core myopathy; Malignant hyperthermia, susceptibility to, 1; Congenital myopathy 4A, autosomal dominant; Congenital multicore myopathy with external ophthalmoplegia; King Denborough syndrome. Last evaluated: 2021-09-13. Review status: criteria provided, single submitter. Criteria: ACMG Guidelines, 2015. Collection method: clinical testing. Allele origin: unknown.

Literature cited by the submitters: PubMed 32236737 (cited by Women's Health and Genetics/Laboratory Corporation of America, LabCorp); PubMed 30155738 (cited by Women's Health and Genetics/Laboratory Corporation of America, LabCorp and Labcorp Genetics (formerly Invitae), Labcorp).